The following is an entry in ClinVar:

NM_012106.4(ARL2BP):c.458C>T (p.Ser153Phe)

Gene: ARL2BP (ARF like GTPase 2 binding protein; plus strand). Cytogenetic location: 16q13.
Variant type: single nucleotide variant.
Coding change: c.458C>T on transcript NM_012106.4 (MANE Select); coding-DNA position 458, C replaced by T.
Protein change: p.Ser153Phe; replaces serine 153 with phenylalanine.
Molecular consequence: missense variant.
Genome position (GRCh38, 1-based): chr16:57,252,233, C>T. VCF-style: chr16-57252233-C-T. GRCh37 (hg19) VCF-style: chr16-57286145-C-T.
Other names: c.458C>T (NM_012106.3); short protein forms S153F.
Identifiers: ClinVar variation 1523276 (VCV001523276.7), dbSNP rs778187320, ClinGen allele CA8074963.
Genomic context (GRCh38, chr16:57,252,233, plus strand): 5'-AAGGCCGAGGACTGGACTTAAGCAGTGGCTTAGTGGTGACTTCATTGTGCAAATCATCTT[C>T]TCTGCCAGCTTCCCAGAACAATCTGCGGCACTAGGTCCTACCTCCAGCCAATGAATGGGA-3'
Protein context (NP_036238.1, residues 143-163): LVVTSLCKSS[Ser153Phe]LPASQNNLRH

ClinVar aggregate classification (germline): Uncertain significance. Review status: criteria provided, multiple submitters, no conflicts (2 of 4 stars). 3 submissions from 3 submitters: Uncertain significance (3). Last evaluated 2024-10-24.

Conditions:
Inborn genetic diseases. Identifiers: MedGen C0950123, MeSH D030342.

Allele frequency attached by ClinVar (database versions not stated): gnomAD 0.00001; gnomAD exomes 0.00001 and 0.00002; ExAC 0.00002; TOPMed 0.00002.
gnomAD v4.1: 21 of 1,614,050 alleles (0.0013%); highest among the groups gnomAD compares: Non-Finnish European, 0.0017%; no homozygotes.

Submissions (3):

Labcorp Genetics (formerly Invitae), Labcorp
Classification: Uncertain significance. Last evaluated: 2024-10-24. Review status: criteria provided, single submitter. Criteria: Invitae Variant Classification Sherloc (09022015). Collection method: clinical testing. Allele origin: germline.
Comment: This sequence change replaces serine, which is neutral and polar, with phenylalanine, which is neutral and non-polar, at codon 153 of the ARL2BP protein (p.Ser153Phe). This variant is present in population databases (rs778187320, gnomAD 0.003%). This variant has not been reported in the literature in individuals affected with ARL2BP-related conditions. ClinVar contains an entry for this variant (Variation ID: 1523276). An algorithm developed to predict the effect of missense changes on protein structure and function (PolyPhen-2) suggests that this variant¬†is likely to be tolerated. In summary, the available evidence is currently insufficient to determine the role of this variant in disease. Therefore, it has been classified as a Variant of Uncertain Significance.

Blueprint Genetics
Classification: Uncertain significance. Last evaluated: 2024-04-18. Review status: criteria provided, single submitter. Criteria: ACMG Guidelines, 2015. Collection method: clinical testing. Allele origin: germline.

Ambry Genetics
Classification: Uncertain significance for Inborn genetic diseases. Last evaluated: 2022-03-29. Review status: criteria provided, single submitter. Criteria: Ambry Variant Classification Scheme 2023. Collection method: clinical testing. Allele origin: germline.